The following is an entry in ClinVar:

ClinVar aggregate classification (germline): Uncertain significance (1 of 4 stars; one submission).

Conditions:
Dubin-Johnson syndrome (DJS). Also called: Jaundice, Chronic Idiopathic; HYPERBILIRUBINEMIA, DUBIN-JOHNSON TYPE; Hyperbilirubinemia type 2. Identifiers: Orphanet 234, MedGen C0022350, MONDO:0009380, OMIM 237500.

gnomAD v4.1: 10 of 1,613,960 alleles (0.00062%); highest among the groups gnomAD compares: East Asian, 0.0022%; no homozygotes.

Submission:

3billion
Classification: Uncertain significance for Dubin-Johnson syndrome. Last evaluated: 2026-01-25. Review status: criteria provided, single submitter. Criteria: ACMG Guidelines, 2015. Collection method: clinical testing. Allele origin: germline. Affected: yes.
Comment: The variant is observed at an extremely low frequency in the gnomAD v4.1.0 dataset (total allele frequency: <0.001%). Predicted Consequence/Location: Missense variant Therefore, this variant is classified as VUS according to the recommendation of ACMG/AMP guideline.

NM_000392.5(ABCC2):c.2444G>A (p.Arg815Gln)

Gene: ABCC2 (ATP binding cassette subfamily C member 2; plus strand). Cytogenetic location: 10q24.2.
Variant type: single nucleotide variant.
Coding change: c.2444G>A on transcript NM_000392.5 (MANE Select); coding-DNA position 2444, G replaced by A.
Protein change: p.Arg815Gln; replaces arginine 815 with glutamine.
Molecular consequence: missense variant.
Genome position (GRCh38, 1-based): chr10:99,819,093, G>A. VCF-style: chr10-99819093-G-A. GRCh37 (hg19) VCF-style: chr10-101578850-G-A.
Other names: short protein forms R815Q.
Identifiers: ClinVar variation 4854208 (VCV004854208.1).